The following is an entry in ClinVar:

ClinVar aggregate classification (germline): Likely pathogenic (1 of 4 stars; one submission).

Conditions:
Muscular dystrophy, limb-girdle, autosomal recessive 23. Identifiers: Orphanet 565837, MedGen C4748327, MONDO:0029136, OMIM 618138.

Submission:

MGZ Medical Genetics Center
Classification: Likely pathogenic for Muscular dystrophy, limb-girdle, autosomal recessive 23. Last evaluated: 2022-05-03. Review status: criteria provided, single submitter. Criteria: ACMG Guidelines, 2015. Collection method: clinical testing. Allele origin: germline. Affected: yes. Observed: 1 variant allele.
Comment: ACMG criteria applied: PVS1, PM2_SUP

NM_000426.4(LAMA2):c.3626del (p.Gly1209fs)

Gene: LAMA2 (laminin subunit alpha 2; plus strand). Cytogenetic location: 6q22.33.
Variant type: Deletion.
Coding change: c.3626del on transcript NM_000426.4 (MANE Select); coding-DNA position 3626, one base deleted (G; older notation c.3626delG).
Protein change: p.Gly1209fs; shifts the reading frame from glycine 1209.
Molecular consequence: frameshift variant.
Genome position (GRCh38, 1-based): chr6:129,315,546, G deleted; the last of 3 consecutive G bases (chr6:129,315,544-129,315,546); deleting any one gives the same sequence. VCF-style (leftmost placement, unchanged base first): chr6-129315543-AG-A. GRCh37 (hg19) VCF-style: chr6-129636688-AG-A.
Other names: c.3626del, p.Gly1209fs (NM_001079823.2); short protein forms G1209fs.
Identifiers: ClinVar variation 1709204 (VCV001709204.2), dbSNP rs2482415014, ClinGen allele CA2580074929.